The following is an entry in ClinVar:

NM_015681.6(B9D1):c.113A>G (p.Gln38Arg)

Gene: B9D1 (B9 domain containing 1; minus strand). Cytogenetic location: 17p11.2.
Variant type: single nucleotide variant.
Coding change: c.113A>G on transcript NM_015681.6 (MANE Select); coding-DNA position 113, A replaced by G.
Protein change: p.Gln38Arg; replaces glutamine 38 with arginine.
Molecular consequence: missense variant. On other transcripts: 5 prime UTR variant (1).
Genome position (GRCh38, 1-based): chr17:19,360,339, T>C on the plus strand (A>G on the coding strand, the complement: B9D1 is on the minus strand). VCF-style: chr17-19360339-T-C. GRCh37 (hg19) VCF-style: chr17-19263652-T-C.
Other names: c.113A>G, p.Gln38Arg (NM_001321214.2, NM_001321215.3, NM_001321216.2 and 4 more transcripts); c.-248A>G (NM_001368769.2); short protein forms Q38R.
Identifiers: ClinVar variation 1435459 (VCV001435459.8), dbSNP rs1248771637, ClinGen allele CA398699333.

ClinVar aggregate classification (germline): Uncertain significance (1 of 4 stars; one submission).

Conditions:
Joubert syndrome. Also called: CEREBELLOPARENCHYMAL DISORDER IV; JOUBERT-BOLTSHAUSER SYNDROME; Familial aplasia of the vermis. Identifiers: Orphanet 475, MedGen C5979921, MONDO:0018772.
Meckel-Gruber syndrome. Also called: DYSENCEPHALIA SPLANCHNOCYSTICA; GRUBER SYNDROME; Dysencephalia splachnocystica. Identifiers: Orphanet 564, MedGen C0265215, MONDO:0018921.

Submission:

Labcorp Genetics (formerly Invitae), Labcorp
Classification: Uncertain significance for Joubert syndrome; Meckel-Gruber syndrome. Last evaluated: 2024-02-23. Review status: criteria provided, single submitter. Criteria: Invitae Variant Classification Sherloc (09022015). Collection method: clinical testing. Allele origin: germline.
Comment: This sequence change replaces glutamine, which is neutral and polar, with arginine, which is basic and polar, at codon 38 of the B9D1 protein (p.Gln38Arg). This variant is present in population databases (no rsID available, gnomAD 0.0009%). This variant has not been reported in the literature in individuals affected with B9D1-related conditions. ClinVar contains an entry for this variant (Variation ID: 1435459). An algorithm developed to predict the effect of missense changes on protein structure and function (PolyPhen-2) suggests that this variant is likely to be tolerated. In summary, the available evidence is currently insufficient to determine the role of this variant in disease. Therefore, it has been classified as a Variant of Uncertain Significance.